The following is an entry in ClinVar:

ClinVar aggregate classification (germline): Pathogenic. Review status: reviewed by expert panel (3 of 4 stars). 3 submissions from 3 submitters: Pathogenic (1). 2 of the submissions do not count toward it. Last evaluated 2016-10-18.

Conditions:
Hereditary cancer-predisposing syndrome. Also called: Tumor predisposition; Neoplastic Syndromes, Hereditary; Hereditary neoplastic syndrome; Hereditary Cancer Syndrome. Identifiers: Orphanet 140162, MedGen C0027672, MeSH D009386, MONDO:0015356.
Breast-ovarian cancer, familial, susceptibility to, 2 (BROVCA2). Also called: BRCA2 Hereditary Breast and Ovarian Cancer. Identifiers: Orphanet 145, MedGen C2675520, MONDO:0012933, OMIM 612555. Disease mechanism: loss of function.

Submissions (3):

Evidence-based Network for the Interpretation of Germline Mutant Alleles (ENIGMA)
Classification: Pathogenic for Breast-ovarian cancer, familial, susceptibility to, 2. Last evaluated: 2016-10-18. Review status: reviewed by expert panel. Criteria: ENIGMA BRCA1/2 Classification Criteria (2015). Collection method: curation. Allele origin: germline.
Comment: Variant allele predicted to encode a truncated non-functional protein.

Ambry Genetics
Classification: Pathogenic for Hereditary cancer-predisposing syndrome. Last evaluated: 2020-04-14. Review status: criteria provided, single submitter. Criteria: Ambry Variant Classification Scheme 2023. Collection method: clinical testing. Allele origin: germline. Not counted in ClinVar's aggregate classification.
Comment: The c.4169dupT pathogenic mutation, located in coding exon 10 of the BRCA2 gene, results from a duplication of T at nucleotide position 4169, causing a translational frameshift with a predicted alternate stop codon (p.L1390Ffs*13). This alteration is expected to result in loss of function by premature protein truncation or nonsense-mediated mRNA decay. As such, this alteration is interpreted as a disease-causing mutation.

Consortium of Investigators of Modifiers of BRCA1/2 (CIMBA), c/o University of Cambridge
Classification: Pathogenic for Breast-ovarian cancer, familial, susceptibility to, 2. Last evaluated: 2015-10-02. Review status: criteria provided, single submitter. Criteria: CIMBA Mutation Classification guidelines May 2016. Collection method: clinical testing. Allele origin: germline. Not counted in ClinVar's aggregate classification.

Literature cited by the submitters: PubMed 29446198 (cited by Ambry Genetics).

NM_000059.4(BRCA2):c.4169dup (p.Leu1390fs)

Gene: BRCA2 (BRCA2 DNA repair associated; plus strand). Cytogenetic location: 13q13.1.
Variant type: Duplication.
Coding change: c.4169dup on transcript NM_000059.4 (MANE Select); coding-DNA position 4169, one base duplicated (T; older notation c.4169dupT).
Protein change: p.Leu1390fs; shifts the reading frame from leucine 1390.
Molecular consequence: frameshift variant.
Genome position (GRCh38, 1-based): chr13:32,338,524, T duplicated; the last of 6 consecutive T bases (chr13:32,338,519-32,338,524); duplicating any one gives the same sequence. VCF-style (leftmost placement, unchanged base first): chr13-32338518-C-CT. GRCh37 (hg19) VCF-style: chr13-32912655-C-CT.
Other names: 4397insT- ter1402; c.4169dupT (NM_000059.3); short protein forms L1390fs.
Identifiers: ClinVar variation 266794 (VCV000266794.9), dbSNP rs80359433, ClinGen allele CA10589244.